The following is an entry in ClinVar:

ClinVar aggregate classification (germline): Uncertain significance (1 of 4 stars; one submission).

Conditions:
Neurofibromatosis, type 1 (NF1). Also called: Peripheral type neurofibromatosis; VON RECKLINGHAUSEN DISEASE; NEUROFIBROMATOSIS, TYPE I, SOMATIC; Neurofibromatosis, type I. Identifiers: Orphanet 636, MedGen C0027831, MONDO:0018975, OMIM 162200. Disease mechanism: loss of function.

Submission:

Labcorp Genetics (formerly Invitae), Labcorp
Classification: Uncertain significance for Neurofibromatosis, type 1. Last evaluated: 2019-10-20. Review status: criteria provided, single submitter. Criteria: Invitae Variant Classification Sherloc (09022015). Collection method: clinical testing. Allele origin: germline.
Comment: In summary, the available evidence is currently insufficient to determine the role of this variant in disease. Therefore, it has been classified as a Variant of Uncertain Significance. This sequence change replaces glutamic acid with alanine at codon 1220 of the NF1 protein (p.Glu1220Ala). The glutamic acid residue is moderately conserved and there is a moderate physicochemical difference between glutamic acid and alanine. This variant is not present in population databases (ExAC no frequency). This variant has not been reported in the literature in individuals with NF1-related conditions. Algorithms developed to predict the effect of missense changes on protein structure and function are either unavailable or do not agree on the potential impact of this missense change (SIFT: "Tolerated"; PolyPhen-2: "Probably Damaging"; Align-GVGD: "Class C0").

NM_001042492.3(NF1):c.3659A>C (p.Glu1220Ala)

Gene: NF1 (neurofibromin 1; plus strand). Cytogenetic location: 17q11.2.
Variant type: single nucleotide variant.
Coding change: c.3659A>C on transcript NM_001042492.3 (MANE Select); coding-DNA position 3659, A replaced by C.
Protein change: p.Glu1220Ala; replaces glutamic acid 1220 with alanine.
Molecular consequence: missense variant.
Genome position (GRCh38, 1-based): chr17:31,233,164, A>C. VCF-style: chr17-31233164-A-C. GRCh37 (hg19) VCF-style: chr17-29560182-A-C.
Other names: c.3659A>C, p.Glu1220Ala (NM_000267.4); short protein forms E1220A.
Identifiers: ClinVar variation 957649 (VCV000957649.6), dbSNP rs2067144350, ClinGen allele CA398990505.
Genomic context (GRCh38, chr17:31,233,164, plus strand): 5'-TATTGGCTGATCGGTTTGAGAGATTGGTGGAACTGGTCACAATGATGGGTGATCAAGGAG[A>C]ACTCCCTATAGCGATGGCTCTGGCCAATGTGGTTCCTTGTTCTCAGTGGGTAAGTGATTA-3'
Protein context (NP_001035957.1, residues 1210-1230): ELVTMMGDQG[Glu1220Ala]LPIAMALANV